The following is an entry in ClinVar:

ClinVar aggregate classification (germline): Uncertain significance. Review status: criteria provided, multiple submitters, no conflicts (2 of 4 stars). 4 submissions from 4 submitters: Uncertain significance (4). Last evaluated 2025-04-29.

Conditions:
Classic or attenuated familial adenomatous polyposis. Identifiers: MedGen CN372698, MONDO:0021057.
Hereditary cancer-predisposing syndrome. Also called: Neoplastic Syndromes, Hereditary; Tumor predisposition; Hereditary Cancer Syndrome; Hereditary neoplastic syndrome. Identifiers: Orphanet 140162, MedGen C0027672, MeSH D009386, MONDO:0015356.
Familial adenomatous polyposis 1 (FAP1). Also called: POLYPOSIS, ADENOMATOUS INTESTINAL; FAMILIAL ADENOMATOUS POLYPOSIS 1, ATTENUATED. Identifiers: MedGen C2713442, MONDO:0021056, OMIM 175100. Disease mechanism: loss of function.

Allele frequency attached by ClinVar (database versions not stated): gnomAD exomes below 0.00001.
gnomAD v4.1: 1 of 1,613,944 alleles (0.000062%); highest among the groups gnomAD compares: South Asian, 0.0011%; no homozygotes.

Submissions (4):

Ambry Genetics
Classification: Uncertain significance for Hereditary cancer-predisposing syndrome. Last evaluated: 2025-04-29. Review status: criteria provided, single submitter. Criteria: Ambry Variant Classification Scheme 2023. Collection method: clinical testing. Allele origin: germline.
Comment: The p.V1872I variant (also known as c.5614G>A), located in coding exon 15 of the APC gene, results from a G to A substitution at nucleotide position 5614. The valine at codon 1872 is replaced by isoleucine, an amino acid with highly similar properties. This amino acid position is well conserved in available vertebrate species. In addition, in silico predictors for this gene do not accurately predict pathogenicity. Missense alterations in APC are not a common cause of disease (Spier I et al. Genet Med. 2024 Feb;26(2):100992). Based on the available evidence, the clinical significance of this variant remains unclear.

Labcorp Genetics (formerly Invitae), Labcorp
Classification: Uncertain significance for Familial adenomatous polyposis 1. Last evaluated: 2024-09-12. Review status: criteria provided, single submitter. Criteria: Invitae Variant Classification Sherloc (09022015). Collection method: clinical testing. Allele origin: germline.
Comment: This sequence change replaces valine, which is neutral and non-polar, with isoleucine, which is neutral and non-polar, at codon 1872 of the APC protein (p.Val1872Ile). This variant is not present in population databases (gnomAD no frequency). This variant has not been reported in the literature in individuals affected with APC-related conditions. ClinVar contains an entry for this variant (Variation ID: 653208). Invitae Evidence Modeling of protein sequence and biophysical properties (such as structural, functional, and spatial information, amino acid conservation, physicochemical variation, residue mobility, and thermodynamic stability) indicates that this missense variant is not expected to disrupt APC protein function with a negative predictive value of 95%. In summary, the available evidence is currently insufficient to determine the role of this variant in disease. Therefore, it has been classified as a Variant of Uncertain Significance.

All of Us Research Program, National Institutes of Health
Classification: Uncertain significance for Classic or attenuated familial adenomatous polyposis. Last evaluated: 2023-10-06. Review status: criteria provided, single submitter. Criteria: ACMG Guidelines, 2015. Collection method: clinical testing. Allele origin: germline. Inheritance: Autosomal dominant inheritance. Observed: 1 variant allele, 1 heterozygote.
Comment: This missense variant replaces valine with isoleucine at codon 1872 of the APC protein. Computational prediction suggests that this variant may not impact protein structure and function (internally defined REVEL score threshold <= 0.5, PMID: 27666373). To our knowledge, functional studies have not been reported for this variant. This variant has not been reported in individuals affected with APC-related disorders in the literature. This variant has not been identified in the general population by the Genome Aggregation Database (gnomAD). The available evidence is insufficient to determine the role of this variant in disease conclusively. Therefore, this variant is classified as a Variant of Uncertain Significance.

This study involves interpretation of variants in research participants for the purpose of population health screening. Participant phenotype was not available at the time of variant classification. Additional details can be found in publication PMID: 35346344, PMCID: PMC8962531

Women's Health and Genetics/Laboratory Corporation of America, LabCorp
Classification: Uncertain significance. Last evaluated: 2020-02-10. Review status: criteria provided, single submitter. Criteria: LabCorp Variant Classification Summary - May 2015. Collection method: clinical testing. Allele origin: germline.
Comment: Variant summary: APC c.5614G>A (p.Val1872Ile) results in a conservative amino acid change in the encoded protein sequence. Four of five in-silico tools predict a benign effect of the variant on protein function. The variant was absent in 250930 control chromosomes (gnomAD). The available data on variant occurrences in the general population are insufficient to allow any conclusion about variant significance. To our knowledge, no occurrence of c.5614G>A in individuals affected with Familial Adenomatous Polyposis and no experimental evidence demonstrating its impact on protein function have been reported. A ClinVar submitter (evaluation after 2014) cites the variant as uncertain significance. Based on the evidence outlined above, the variant was classified as uncertain significance.

NM_000038.6(APC):c.5614G>A (p.Val1872Ile)

Gene: APC (APC regulator of Wnt signaling pathway; plus strand). Cytogenetic location: 5q22.2.
Variant type: single nucleotide variant.
Coding change: c.5614G>A on transcript NM_000038.6 (MANE Select); coding-DNA position 5614, G replaced by A.
Protein change: p.Val1872Ile; replaces valine 1872 with isoleucine.
Molecular consequence: missense variant.
Genome position (GRCh38, 1-based): chr5:112,841,208, G>A. VCF-style: chr5-112841208-G-A. GRCh37 (hg19) VCF-style: chr5-112176905-G-A.
Other names: c.5614G>A, p.Val1872Ile (NM_001127510.3, NM_001354895.2); c.5560G>A, p.Val1854Ile (NM_001127511.3); c.5668G>A, p.Val1890Ile (NM_001354896.2); c.5644G>A, p.Val1882Ile (NM_001354897.2); c.5539G>A, p.Val1847Ile (NM_001354898.2); c.5530G>A, p.Val1844Ile (NM_001354899.2); c.5491G>A, p.Val1831Ile (NM_001354900.2); c.5437G>A, p.Val1813Ile (NM_001354901.2); and 5 more; short protein forms V1771I, V1813I, V1882I, V1712I, V1746I, V1844I, V1854I, V1781I.
Identifiers: ClinVar variation 653208 (VCV000653208.17), dbSNP rs1580661875, ClinGen allele CA16033619.